The following is an entry in ClinVar:

ClinVar aggregate classification (germline): Conflicting classifications of pathogenicity. Review status: criteria provided, conflicting classifications (1 of 4 stars). 8 submissions from 7 submitters: Uncertain significance (5); Likely benign (2). 1 of the submissions does not count toward it. Last evaluated 2026-04-16.

Conditions:
Inborn genetic diseases. Identifiers: MedGen C0950123, MeSH D030342.
Charcot-Marie-Tooth disease. Also called: Charcot-Marie-Tooth Hereditary Neuropathy; Charcot-Marie-Tooth Neuropathy. Identifiers: Orphanet 166, MedGen C0007959, MONDO:0015626.
Charcot-Marie-Tooth disease type 4J (CMT4J). Also called: Charcot-Marie-Tooth Neuropathy Type 4J; CHARCOT-MARIE-TOOTH DISEASE, AUTOSOMAL RECESSIVE, TYPE 4J; CHARCOT-MARIE-TOOTH DISEASE, DEMYELINATING, TYPE 4J. Identifiers: Orphanet 139515, MedGen C1970011, MONDO:0012640, OMIM 611228.
Charcot-Marie-Tooth disease type 4. Also called: Charcot-Marie-Tooth disease, type IV; Charcot-Marie-Tooth, Type 4. Identifiers: Orphanet 64749, MedGen C4082197, MONDO:0018995.
Amyotrophic lateral sclerosis type 11 (ALS11). Identifiers: Orphanet 803, MedGen C2675491, MONDO:0012945, OMIM 612577.
FIG4-related disorder. Also called: FIG4-related disorders; FIG4-related condition.

Allele frequency attached by ClinVar (database versions not stated): gnomAD exomes 0.00010 and 0.00013; ExAC 0.00012; gnomAD 0.00012 and 0.00013; TOPMed 0.00012; ESP Exome Variant Server 0.00031.
gnomAD v4.1: 210 of 1,610,788 alleles (0.013%); highest among the groups gnomAD compares: Middle Eastern, 0.033%; no homozygotes.

Submissions (8):

Women's Health and Genetics/Laboratory Corporation of America, LabCorp
Classification: Uncertain significance. Last evaluated: 2026-04-16. Review status: criteria provided, single submitter. Criteria: LabCorp Variant Classification Summary - May 2015. Collection method: clinical testing. Allele origin: germline.
Comment: Variant summary: FIG4 c.1271+5A>G alters a nucleotide located close to a canonical splice site and therefore could affect mRNA splicing, leading to a significantly altered protein sequence. Consensus agreement among computation tools predict no significant impact on normal splicing. However, these predictions have yet to be confirmed by functional studies. The variant allele was found at a frequency of 9.9e-05 in 251280 control chromosomes. This frequency is not significantly higher than estimated for disease-causing variants in FIG4, allowing no conclusion about variant significance. To our knowledge, no occurrence of c.1271+5A>G in individuals affected with FIG4-related conditions and no experimental evidence demonstrating its impact on protein function have been reported. ClinVar contains an entry for this variant (Variation ID: 663445). Based on the evidence outlined above, the variant was classified as uncertain significance.

Blueprint Genetics
Classification: Likely benign. Last evaluated: 2024-11-26. Review status: criteria provided, single submitter. Criteria: ACMG Guidelines, 2015. Collection method: clinical testing. Allele origin: germline.

Labcorp Genetics (formerly Invitae), Labcorp
Classification: Uncertain significance for Charcot-Marie-Tooth disease type 4. Last evaluated: 2024-01-10. Review status: criteria provided, single submitter. Criteria: Invitae Variant Classification Sherloc (09022015). Collection method: clinical testing. Allele origin: germline.
Comment: This sequence change falls in intron 11 of the FIG4 gene. It does not directly change the encoded amino acid sequence of the FIG4 protein. It affects a nucleotide within the consensus splice site. This variant is present in population databases (rs374583399, gnomAD 0.02%). This variant has not been reported in the literature in individuals affected with FIG4-related conditions. ClinVar contains an entry for this variant (Variation ID: 663445). Variants that disrupt the consensus splice site are a relatively common cause of aberrant splicing (PMID: 17576681, 9536098). Algorithms developed to predict the effect of sequence changes on RNA splicing suggest that this variant is not likely to affect RNA splicing. In summary, the available evidence is currently insufficient to determine the role of this variant in disease. Therefore, it has been classified as a Variant of Uncertain Significance.

Ambry Genetics
Classification: Uncertain significance for Inborn genetic diseases. Last evaluated: 2023-08-30. Review status: criteria provided, single submitter. Criteria: Ambry Variant Classification Scheme 2023. Collection method: clinical testing. Allele origin: germline.
Comment: The c.1271+5A>G intronic alteration consists of a A to G substitution nucleotides after coding exon 11 in the FIG4 gene. Based on insufficient or conflicting evidence, the clinical significance of this alteration remains unclear.

Illumina Laboratory Services, Illumina
Classification: Uncertain significance for Amyotrophic lateral sclerosis type 11. Last evaluated: 2018-01-12. Review status: criteria provided, single submitter. Criteria: ICSL Variant Classification Criteria 13 December 2019. Collection method: clinical testing. Allele origin: germline.

Illumina Laboratory Services, Illumina
Classification: Uncertain significance for Charcot-Marie-Tooth disease type 4J. Last evaluated: 2018-01-12. Review status: criteria provided, single submitter. Criteria: ICSL Variant Classification Criteria 13 December 2019. Collection method: clinical testing. Allele origin: germline.

Molecular Genetics Laboratory, London Health Sciences Centre
Classification: Likely benign for Charcot-Marie-Tooth disease. Review status: criteria provided, single submitter. Criteria: ACMG Guidelines, 2015. Collection method: clinical testing. Allele origin: germline. Affected: yes.

PreventionGenetics, part of Exact Sciences
Classification: Likely benign for FIG4-related condition. Last evaluated: 2020-12-29. Review status: no assertion criteria provided. Collection method: clinical testing. Allele origin: germline. Not counted in ClinVar's aggregate classification.
Comment: This variant is classified as likely benign based on ACMG/AMP sequence variant interpretation guidelines (Richards et al. 2015 PMID: 25741868, with internal and published modifications).

Literature cited by the submitters: PubMed 17576681 (cited by Labcorp Genetics (formerly Invitae), Labcorp); PubMed 9536098 (cited by Labcorp Genetics (formerly Invitae), Labcorp).

NM_014845.6(FIG4):c.1271+5A>G

Gene: FIG4 (FIG4 phosphoinositide 5-phosphatase; plus strand). Cytogenetic location: 6q21.
Variant type: single nucleotide variant.
Coding change: c.1271+5A>G on transcript NM_014845.6 (MANE Select); 5 bases into the intron after coding-DNA position 1271, A replaced by G.
Molecular consequence: intron variant.
Genome position (GRCh38, 1-based): chr6:109,760,388, A>G. VCF-style: chr6-109760388-A-G. GRCh37 (hg19) VCF-style: chr6-110081591-A-G.
Identifiers: ClinVar variation 663445 (VCV000663445.17), dbSNP rs374583399, ClinGen allele CA3956024.